The following is an entry in ClinVar:

ClinVar aggregate classification (germline): Benign/Likely benign. Review status: criteria provided, multiple submitters, no conflicts (2 of 4 stars). 2 submissions from 2 submitters: Benign (1); Likely benign (1). Last evaluated 2025-02-11.

Conditions:
Colorectal cancer, susceptibility to, 12 (CRCS12). Also called: COLORECTAL CANCER, SUSCEPTIBILITY TO, ON CHROMOSOME 12q24. Identifiers: Orphanet 220460, MedGen C3554460, MONDO:0014038, OMIM 615083.
Hereditary cancer-predisposing syndrome. Also called: Neoplastic Syndromes, Hereditary; Tumor predisposition; Hereditary neoplastic syndrome; Hereditary Cancer Syndrome. Identifiers: Orphanet 140162, MedGen C0027672, MeSH D009386, MONDO:0015356.

Submissions (2):

Myriad Genetics, Inc.
Classification: Benign for Colorectal cancer, susceptibility to, 12. Last evaluated: 2025-02-11. Review status: criteria provided, single submitter. Criteria: Myriad Autosomal Dominant, Autosomal Recessive and X-Linked Classification Criteria (2023). Collection method: clinical testing. Allele origin: unknown.
Comment: This variant is considered benign. This variant is a silent/synonymous amino acid change and it is not expected to impact splicing.

Ambry Genetics
Classification: Likely benign for Hereditary cancer-predisposing syndrome. Last evaluated: 2024-04-28. Review status: criteria provided, single submitter. Criteria: Ambry Variant Classification Scheme 2023. Collection method: clinical testing. Allele origin: germline.

NM_006231.4(POLE):c.1377T>C (p.Ser459=)

Gene: POLE (DNA polymerase epsilon, catalytic subunit; minus strand). Cytogenetic location: 12q24.33.
Variant type: single nucleotide variant.
Coding change: c.1377T>C on transcript NM_006231.4 (MANE Select); coding-DNA position 1377, T replaced by C.
Protein change: p.Ser459=; no amino-acid change (serine 459 retained).
Molecular consequence: synonymous variant.
Genome position (GRCh38, 1-based): chr12:132,673,260, A>G on the plus strand (T>C on the coding strand, the complement: POLE is on the minus strand). VCF-style: chr12-132673260-A-G. GRCh37 (hg19) VCF-style: chr12-133249846-A-G.
Identifiers: ClinVar variation 3308395 (VCV003308395.2).